The following is an entry in ClinVar:

ClinVar aggregate classification (germline): Benign. Review status: reviewed by expert panel (3 of 4 stars). 10 submissions from 10 submitters: Benign (1). 9 of the submissions do not count toward it. Last evaluated 2024-12-03.

Conditions:
MAP2K2-related disorder. Also called: MAP2K2-related condition.
Cardiovascular phenotype. Identifiers: MedGen CN230736.
RASopathy. Also called: rasopathies; Noonan spectrum disorder. Identifiers: Orphanet 536391, MedGen C5555857, MONDO:0021060.
Noonan syndrome (NS). Also called: Noonan's syndrome. Identifiers: Orphanet 648, MedGen C0028326, MeSH D009634, MONDO:0018997. Disease mechanism: gain of function.

Allele frequency attached by ClinVar (database versions not stated): 1000 Genomes Project 30x 0.00031; gnomAD 0.00070 and 0.00068; TOPMed 0.00057; gnomAD exomes 0.00005 and 0.00021; 1000 Genomes Project 0.00040; ExAC 0.00029; ESP Exome Variant Server 0.00077.

Submissions (10):

ClinGen RASopathy Variant Curation Expert Panel
Classification: Benign for RASopathy. Last evaluated: 2024-12-03. Review status: reviewed by expert panel. Criteria: ClinGen RASopathy ACMG Specifications MAP2K2 V2.3.0. Collection method: curation. Allele origin: germline. Inheritance: Autosomal dominant inheritance.
Comment: The c.844C>T variant in the MAP2K2 gene is a missense variant predicted to cause substitution of proline by serine at amino acid 282 (p.Pro282Ser). The filtering allele frequency in gnomAD v2.1.1 is 0.001415 (42/22756 alleles) in the African/African American population, meeting the criterion for BA1. The computational predictor REVEL gives a score of 0.072, which predicts no impact on protein function (BP4). This variant has been identified in a patient with an alternate molecular basis for disease (BP5; GeneDx internal data; GTR ID's 26957; SCV000207963.8). In summary, this variant meets criteria to be classified as benign for autosomal dominant RASopathies based on the ACMG/AMP criteria applied, as specified by the ClinGen RASopathy Variant Curation Expert Panel: BA1, BP4, BP5 (Specification Version 2.3, 12/3/2024)

CeGaT Center for Human Genetics Tuebingen
Classification: Likely benign. Last evaluated: 2026-07-01. Review status: criteria provided, single submitter. Criteria: CeGaT Center For Human Genetics Tuebingen Variant Classification Criteria Version 2. Collection method: clinical testing. Allele origin: germline. Affected: yes. Observed: 1 variant allele. Not counted in ClinVar's aggregate classification.
Comment: MAP2K2: BP4, BS1

Labcorp Genetics (formerly Invitae), Labcorp
Classification: Likely benign for RASopathy. Last evaluated: 2026-01-31. Review status: criteria provided, single submitter. Criteria: Invitae Variant Classification Sherloc (09022015). Collection method: clinical testing. Allele origin: germline. Not counted in ClinVar's aggregate classification.

Blueprint Genetics
Classification: Likely benign. Last evaluated: 2024-06-11. Review status: criteria provided, single submitter. Criteria: ACMG Guidelines, 2015. Collection method: clinical testing. Allele origin: germline. Not counted in ClinVar's aggregate classification.

Ambry Genetics
Classification: Likely benign for Cardiovascular phenotype. Last evaluated: 2023-06-16. Review status: criteria provided, single submitter. Criteria: Ambry Variant Classification Scheme 2023. Collection method: clinical testing. Allele origin: germline. Not counted in ClinVar's aggregate classification.

Women's Health and Genetics/Laboratory Corporation of America, LabCorp
Classification: Benign. Last evaluated: 2019-07-08. Review status: criteria provided, single submitter. Criteria: LabCorp Variant Classification Summary - May 2015. Collection method: clinical testing. Allele origin: germline. Not counted in ClinVar's aggregate classification.
Comment: Variant summary: MAP2K2 c.844C>T (p.Pro282Ser) results in a non-conservative amino acid change located in the Protein kinase domain (IPR000719) of the encoded protein sequence. Three of five in-silico tools predict a benign effect of the variant on protein function. The variant allele was found at a frequency of 0.00025 in 263182 control chromosomes including one homozygote, predominantly at a frequency of 0.0018 within the African or African-American subpopulation in the gnomAD database. The observed variant frequency within African or African-American control individuals in the gnomAD database is approximately 720 fold of the estimated maximal expected allele frequency for a pathogenic variant in MAP2K2 causing Noonan Syndrome and Related Conditions phenotype (2.5e-06), strongly suggesting that the variant is a benign polymorphism found primarily in populations of African or African-American origin. To our knowledge, no occurrence of c.844C>T in individuals affected with Noonan Syndrome and Related Conditions and no experimental evidence demonstrating its impact on protein function have been reported. Two ClinVar submissions including one expert panel (ClinGen RASopathy Variant Curation) (evaluation after 2014) cite the variant as benign. Based on the evidence outlined above, the variant was classified as benign.

GeneDx
Classification: Benign. Last evaluated: 2016-06-03. Review status: criteria provided, single submitter. Criteria: GeneDx Variant Classification (06012015). Collection method: clinical testing. Allele origin: germline. Affected: yes. Not counted in ClinVar's aggregate classification.
Comment: This variant is considered likely benign or benign based on one or more of the following criteria: it is a conservative change, it occurs at a poorly conserved position in the protein, it is predicted to be benign by multiple in silico algorithms, and/or has population frequency not consistent with disease.

Laboratory for Molecular Medicine, Mass General Brigham Personalized Medicine
Classification: Likely benign. Last evaluated: 2015-09-29. Review status: criteria provided, single submitter. Criteria: LMM Criteria. Collection method: clinical testing. Allele origin: germline. Observed: 1 variant allele. Not counted in ClinVar's aggregate classification.
Comment: proposed classification - variant undergoing re-assessment, contact laboratory

PreventionGenetics, part of Exact Sciences
Classification: Likely benign for MAP2K2-related condition. Last evaluated: 2021-07-01. Review status: no assertion criteria provided. Collection method: clinical testing. Allele origin: germline. Not counted in ClinVar's aggregate classification.
Comment: This variant is classified as likely benign based on ACMG/AMP sequence variant interpretation guidelines (Richards et al. 2015 PMID: 25741868, with internal and published modifications).

Service de Génétique Moléculaire, Hôpital Robert Debré
Classification: Uncertain significance for Noonan syndrome. Review status: no assertion criteria provided. Collection method: clinical testing. Allele origin: unknown. Affected: yes. Not counted in ClinVar's aggregate classification.

Literature cited by the submitters: PubMed 25802880 (cited by Women's Health and Genetics/Laboratory Corporation of America, LabCorp).

NM_030662.4(MAP2K2):c.844C>T (p.Pro282Ser)

Gene: MAP2K2 (mitogen-activated protein kinase kinase 2; minus strand). Cytogenetic location: 19p13.3.
Variant type: single nucleotide variant.
Coding change: c.844C>T on transcript NM_030662.4 (MANE Select); coding-DNA position 844, C replaced by T.
Protein change: p.Pro282Ser; replaces proline 282 with serine.
Molecular consequence: missense variant.
Genome position (GRCh38, 1-based): chr19:4,099,276, G>A on the plus strand (C>T on the coding strand, the complement: MAP2K2 is on the minus strand). VCF-style: chr19-4099276-G-A. GRCh37 (hg19) VCF-style: chr19-4099274-G-A.
Other names: p.P282S:CCC>TCC; NM_030662.3(MAP2K2):c.844C>T; NM_030662.4(MAP2K2):c.844C>T; short protein forms P282S.
Identifiers: ClinVar variation 40826 (VCV000040826.24), dbSNP rs142307980, ClinGen allele CA137972.